The following is an entry in ClinVar:

ClinVar aggregate classification (germline): Uncertain significance (1 of 4 stars; one submission).

Submission:

GeneDx
Classification: Uncertain significance. Last evaluated: 2023-08-04. Review status: criteria provided, single submitter. Criteria: GeneDx Variant Classification Process June 2021. Collection method: clinical testing. Allele origin: germline. Affected: yes.
Comment: Not observed at significant frequency in large population cohorts (gnomAD); In silico analysis supports that this missense variant has a deleterious effect on protein structure/function; Has not been previously published as pathogenic or benign to our knowledge

NM_005257.6(GATA6):c.950G>T (p.Arg317Leu)

Gene: GATA6 (GATA binding protein 6; plus strand). Cytogenetic location: 18q11.2.
Variant type: single nucleotide variant.
Coding change: c.950G>T on transcript NM_005257.6 (MANE Select); coding-DNA position 950, G replaced by T.
Protein change: p.Arg317Leu; replaces arginine 317 with leucine.
Molecular consequence: missense variant.
Genome position (GRCh38, 1-based): chr18:22,172,094, G>T. VCF-style: chr18-22172094-G-T. GRCh37 (hg19) VCF-style: chr18-19752055-G-T.
Other names: short protein forms R317L.
Identifiers: ClinVar variation 3253533 (VCV003253533.1), dbSNP rs1455538149.